The following is an entry in ClinVar:

ClinVar aggregate classification (germline): Uncertain significance (1 of 4 stars; one submission).

Conditions:
Early-onset Lafora body disease. Also called: Epilepsy, progressive myoclonic, 10. Identifiers: Orphanet 324290, MedGen C4225258, MONDO:0014717, OMIM 616640.

Submission:

Labcorp Genetics (formerly Invitae), Labcorp
Classification: Uncertain significance for Early-onset Lafora body disease. Last evaluated: 2024-10-16. Review status: criteria provided, single submitter. Criteria: Invitae Variant Classification Sherloc (09022015). Collection method: clinical testing. Allele origin: germline.
Comment: This variant, c.1171_1173del, results in the deletion of 1 amino acid(s) of the PRDM8 protein (p.Lys391del), but otherwise preserves the integrity of the reading frame. This variant is present in population databases (no rsID available, gnomAD 0.01%). This variant has not been reported in the literature in individuals affected with PRDM8-related conditions. Experimental studies and prediction algorithms are not available or were not evaluated, and the functional significance of this variant is currently unknown. In summary, the available evidence is currently insufficient to determine the role of this variant in disease. Therefore, it has been classified as a Variant of Uncertain Significance.

NM_001099403.2(PRDM8):c.1168AAG[1] (p.Lys391del)

Gene: PRDM8 (PR/SET domain 8; plus strand). Cytogenetic location: 4q21.21.
Variant type: Microsatellite.
Coding change: c.1168AAG[1] on transcript NM_001099403.2 (MANE Select); one copy of the 3-base unit AAG starting at c.1168; the reference has two copies in a row; one copy, 3 bases deleted.
Protein change: p.Lys391del; deletes lysine 391.
Molecular consequence: inframe deletion.
Genome position (GRCh38, 1-based): chr4:80,202,633-80,202,635, AAG deleted; deleting any 3 consecutive bases within chr4:80,202,629-80,202,635 gives the same sequence; the position shown is the placement nearest the transcript's 3' end. VCF-style (leftmost placement, unchanged base first): chr4-80202628-TGAA-T. GRCh37 (hg19) VCF-style: chr4-81123782-TGAA-T.
Other names: c.1168AAG[1], p.Lys391del (NM_020226.4); short protein forms K391del.
Identifiers: ClinVar variation 1052064 (VCV001052064.8), dbSNP rs904587436, ClinGen allele CA100000802.
Genomic context (GRCh38, chr4:80,202,628, plus strand): 5'-GCCTCTTCGCGCCGCCAAGTCCCGAGACGGGCGAGGCGAAGCGCAGCGCCTTCGTGGAGG[TGAA>T]GAAGGCTGCCCGCGCGGCCAGCCTGCAGGAGGAGGGGACAGCCGACGGCGCGGGAGTCGC-3'